The following is an entry in ClinVar:

ClinVar aggregate classification (germline): Uncertain significance (1 of 4 stars; one submission).

Conditions:
Hereditary cancer-predisposing syndrome. Also called: Neoplastic Syndromes, Hereditary; Tumor predisposition; Hereditary neoplastic syndrome; Hereditary Cancer Syndrome. Identifiers: Orphanet 140162, MedGen C0027672, MeSH D009386, MONDO:0015356.

Submission:

Ambry Genetics
Classification: Uncertain significance for Hereditary cancer-predisposing syndrome. Last evaluated: 2023-09-29. Review status: criteria provided, single submitter. Criteria: Ambry Variant Classification Scheme 2023. Collection method: clinical testing. Allele origin: germline.
Comment: The c.1035_1037delTCC variant (also known as p.P346del) is located in coding exon 10 of the FANCC gene. This variant results from an in-frame TCC deletion at nucleotide positions 1035 to 1037. This results in the in-frame deletion of a proline at codon 346. This amino acid position is not well conserved in available vertebrate species. In addition, this alteration is predicted to be deleterious by in silico analysis (Choi Y et al. PLoS ONE. 2012; 7(10):e46688). Since supporting evidence is limited at this time, the clinical significance of this alteration remains unclear.

NM_000136.3(FANCC):c.1035_1037del (p.Pro346del)

Genes: FANCC (FA complementation group C; minus strand), AOPEP (aminopeptidase O (putative); plus strand). Cytogenetic location: 9q22.32.
Variant type: Deletion.
Coding change: c.1035_1037del on transcript NM_000136.3 (MANE Select); coding-DNA positions 1035 to 1037, 3 bases deleted (TCC; older notation c.1035_1037delTCC).
Protein change: p.Pro346del; deletes proline 346.
Molecular consequence: inframe deletion. On other transcripts: inframe indel (1).
Genome position (GRCh38, 1-based): chr9:95,117,350-95,117,352, GGA deleted on the plus strand (TCC on the coding strand, the reverse complement: FANCC is on the minus strand); deleting any 3 consecutive bases within chr9:95,117,350-95,117,353 gives the same sequence; the c. name uses the placement nearest the transcript's 3' end. VCF-style (leftmost placement, unchanged base first): chr9-95117349-TGGA-T. GRCh37 (hg19) VCF-style: chr9-97879631-TGGA-T.
Other names: c.1035_1037del, p.Pro346del (NM_001243743.2, NM_001243744.2); c.1035_1037delTCC (NM_000136.2); short protein forms P346del.
Identifiers: ClinVar variation 3230353 (VCV003230353.1), dbSNP rs2540991586, ClinGen allele CA2825001635.